The following is an entry in ClinVar:

ClinVar aggregate classification (germline): Uncertain significance. Review status: criteria provided, multiple submitters, no conflicts (2 of 4 stars). 2 submissions from 2 submitters: Uncertain significance (2). Last evaluated 2026-03-19.

Conditions:
Inborn genetic diseases. Identifiers: MedGen C0950123, MeSH D030342.
Combined immunodeficiency due to DOCK8 deficiency (HIES2). Also called: HIES autosomal recessive; DOCK8 Deficiency; Hyper-IgE recurrent infection syndrome, autosomal recessive; HYPER-IgE RECURRENT INFECTION SYNDROME 2, AUTOSOMAL RECESSIVE; HYPER-IgE SYNDROME 2, AUTOSOMAL RECESSIVE, WITH RECURRENT INFECTIONS. Identifiers: Orphanet 217390, MedGen C4722305, MONDO:0009478, OMIM 243700.

Allele frequency attached by ClinVar (database versions not stated): gnomAD exomes 0.00001; TOPMed 0.00001.

Submissions (2):

Ambry Genetics
Classification: Uncertain significance for Inborn genetic diseases. Last evaluated: 2026-03-19. Review status: criteria provided, single submitter. Criteria: Ambry Variant Classification Scheme 2023. Collection method: clinical testing. Allele origin: germline.

Labcorp Genetics (formerly Invitae), Labcorp
Classification: Uncertain significance for Combined immunodeficiency due to DOCK8 deficiency. Last evaluated: 2022-07-19. Review status: criteria provided, single submitter. Criteria: Invitae Variant Classification Sherloc (09022015). Collection method: clinical testing. Allele origin: germline.
Comment: In summary, the available evidence is currently insufficient to determine the role of this variant in disease. Therefore, it has been classified as a Variant of Uncertain Significance. Algorithms developed to predict the effect of missense changes on protein structure and function (SIFT, PolyPhen-2, Align-GVGD) all suggest that this variant is likely to be tolerated. ClinVar contains an entry for this variant (Variation ID: 1057516). This variant has not been reported in the literature in individuals affected with DOCK8-related conditions. This variant is not present in population databases (gnomAD no frequency). This sequence change replaces lysine, which is basic and polar, with glutamic acid, which is acidic and polar, at codon 1853 of the DOCK8 protein (p.Lys1853Glu).

NM_203447.4(DOCK8):c.5557A>G (p.Lys1853Glu)

Gene: DOCK8 (dedicator of cytokinesis 8; plus strand). Cytogenetic location: 9p24.3.
Variant type: single nucleotide variant.
Coding change: c.5557A>G on transcript NM_203447.4 (MANE Select); coding-DNA position 5557, A replaced by G.
Protein change: p.Lys1853Glu; replaces lysine 1853 with glutamic acid.
Molecular consequence: missense variant.
Genome position (GRCh38, 1-based): chr9:443,493, A>G. VCF-style: chr9-443493-A-G. GRCh37 (hg19) VCF-style: chr9-443493-A-G.
Other names: c.5557A>G (NM_203447.3); c.5257A>G, p.Lys1753Glu (NM_001190458.2); c.5353A>G, p.Lys1785Glu (NM_001193536.2); short protein forms K1753E, K1785E, K1853E.
Identifiers: ClinVar variation 1057516 (VCV001057516.10), dbSNP rs1448189653, ClinGen allele CA372768698.